The following is an entry in ClinVar:

ClinVar aggregate classification (germline): Uncertain significance (1 of 4 stars; one submission).

gnomAD v4.1: 1 of 1,613,604 alleles (0.000062%); highest among the groups gnomAD compares: East Asian, 0.0022%; no homozygotes.

Submission:

Labcorp Genetics (formerly Invitae), Labcorp
Classification: Uncertain significance. Last evaluated: 2022-06-18. Review status: criteria provided, single submitter. Criteria: Invitae Variant Classification Sherloc (09022015). Collection method: clinical testing. Allele origin: germline.
Comment: In summary, the available evidence is currently insufficient to determine the role of this variant in disease. Therefore, it has been classified as a Variant of Uncertain Significance. Algorithms developed to predict the effect of missense changes on protein structure and function (SIFT, PolyPhen-2, Align-GVGD) all suggest that this variant is likely to be tolerated. This variant has not been reported in the literature in individuals affected with EFL1-related conditions. This variant is not present in population databases (gnomAD no frequency). This sequence change replaces leucine, which is neutral and non-polar, with isoleucine, which is neutral and non-polar, at codon 3 of the EFL1 protein (p.Leu3Ile).

NM_024580.6(EFL1):c.7C>A (p.Leu3Ile)

Gene: EFL1 (elongation factor like GTPase 1; minus strand). Cytogenetic location: 15q25.2.
Variant type: single nucleotide variant.
Coding change: c.7C>A on transcript NM_024580.6 (MANE Select); coding-DNA position 7, C replaced by A.
Protein change: p.Leu3Ile; replaces leucine 3 with isoleucine.
Molecular consequence: missense variant. On other transcripts: 5 prime UTR variant (1), non-coding transcript variant (1).
Genome position (GRCh38, 1-based): chr15:82,261,772, G>T on the plus strand (C>A on the coding strand, the complement: EFL1 is on the minus strand). VCF-style: chr15-82261772-G-T. GRCh37 (hg19) VCF-style: chr15-82554113-G-T.
Other names: c.7C>A, p.Leu3Ile (NM_001040610.3, NM_001322845.2); c.-698C>A (NM_001322844.2); short protein forms L3I.
Identifiers: ClinVar variation 2122095 (VCV002122095.4), dbSNP rs1441459070, ClinGen allele CA393286729.